The following is an entry in ClinVar:

NM_000281.4(PCBD1):c.*114G>A

Gene: PCBD1 (pterin-4 alpha-carbinolamine dehydratase 1; minus strand). Cytogenetic location: 10q22.1.
Variant type: single nucleotide variant.
Coding change: c.*114G>A on transcript NM_000281.4 (MANE Select); 114 bases downstream of the stop codon, G replaced by A.
Molecular consequence: 3 prime UTR variant. On other transcripts: intron variant (1).
Genome position (GRCh38, 1-based): chr10:70,883,836, C>T on the plus strand (G>A on the coding strand, the complement: PCBD1 is on the minus strand). VCF-style: chr10-70883836-C-T. GRCh37 (hg19) VCF-style: chr10-72643593-C-T.
Other names: c.216+1316G>A (NM_001323004.2); c.*114G>A (NM_001289797.2).
Identifiers: ClinVar variation 300344 (VCV000300344.5), dbSNP rs562433724, ClinGen allele CA10635618.

ClinVar aggregate classification (germline): Likely benign (1 of 4 stars; one submission).

Conditions:
Pterin-4 alpha-carbinolamine dehydratase 1 deficiency. Also called: Hyperphenylalaninemia due to dehydratase deficiency; CADH DEFICIENCY; HYPERPHENYLALANINEMIA WITH PRIMAPTERINURIA; HYPERPHENYLALANINEMIA, TETRAHYDROBIOPTERIN-DEFICIENT, DUE TO PTERIN-4-ALPHA-CARBINOLAMINE DEHYDRATASE DEFICIENCY. Identifiers: Orphanet 1578, Orphanet 238583, MedGen C1849700, MONDO:0009908, OMIM 264070.

Allele frequency attached by ClinVar (database versions not stated): gnomAD exomes 0.00006; TOPMed 0.00022; gnomAD 0.00025 and 0.00027; 1000 Genomes Project 30x 0.00078; 1000 Genomes Project 0.00080.
gnomAD v4.1: 133 of 1,538,664 alleles (0.0086%); highest among the groups gnomAD compares: Middle Eastern, 0.086%; 1 homozygote.

Submission:

Illumina Laboratory Services, Illumina
Classification: Likely benign for Pterin-4 alpha-carbinolamine dehydratase 1 deficiency. Last evaluated: 2018-01-13. Review status: criteria provided, single submitter. Criteria: ICSL Variant Classification Criteria 13 December 2019. Collection method: clinical testing. Allele origin: germline.
Comment: This variant was observed in the ICSL laboratory as part of a predisposition screen in an ostensibly healthy population. It had not been previously curated by ICSL or reported in the Human Gene Mutation Database (HGMD: prior to June 1st, 2018), and was therefore a candidate for classification through an automated scoring system. Utilizing variant allele frequency, disease prevalence and penetrance estimates, and inheritance mode, an automated score was calculated to assess if this variant is too frequent to cause the disease. Based on the score and internal cut-off values, a variant classified as likely benign is not then subjected to further curation. The score for this variant resulted in a classification of likely benign for this disease.